The following is an entry in ClinVar:

NM_170606.3(KMT2C):c.4332T>C (p.Ile1444=)

Gene: KMT2C (lysine methyltransferase 2C; minus strand). Cytogenetic location: 7q36.1.
Variant type: single nucleotide variant.
Coding change: c.4332T>C on transcript NM_170606.3 (MANE Select); coding-DNA position 4332, T replaced by C.
Protein change: p.Ile1444=; no amino-acid change (isoleucine 1444 retained).
Molecular consequence: synonymous variant.
Genome position (GRCh38, 1-based): chr7:152,195,953, A>G on the plus strand (T>C on the coding strand, the complement: KMT2C is on the minus strand). VCF-style: chr7-152195953-A-G. GRCh37 (hg19) VCF-style: chr7-151893038-A-G.
Identifiers: ClinVar variation 1564110 (VCV001564110.31), dbSNP rs757130536, ClinGen allele CA4580575.

ClinVar aggregate classification (germline): Likely benign. Review status: criteria provided, multiple submitters, no conflicts (2 of 4 stars). 2 submissions from 2 submitters: Likely benign (2). Last evaluated 2022-09-01.

Allele frequency attached by ClinVar (database versions not stated): ExAC 0.00001; gnomAD exomes 0.00001.
gnomAD v4.1: 15 of 1,610,582 alleles (0.00093%); highest among the groups gnomAD compares: Non-Finnish European, 0.0012%; no homozygotes.

Submissions (2):

CeGaT Center for Human Genetics Tuebingen
Classification: Likely benign. Last evaluated: 2022-09-01. Review status: criteria provided, single submitter. Criteria: CeGaT Center For Human Genetics Tuebingen Variant Classification Criteria Version 2. Collection method: clinical testing. Allele origin: germline. Affected: yes. Observed: 2 variant alleles.
Comment: KMT2C: BP4, BP7

Labcorp Genetics (formerly Invitae), Labcorp
Classification: Likely benign. Last evaluated: 2021-06-12. Review status: criteria provided, single submitter. Criteria: Invitae Variant Classification Sherloc (09022015). Collection method: clinical testing. Allele origin: germline.